The following is an entry in ClinVar:

ClinVar aggregate classification (germline): Likely benign. Review status: criteria provided, multiple submitters, no conflicts (2 of 4 stars). 2 submissions from 2 submitters: Likely benign (2). Last evaluated 2026-04-01.

Allele frequency attached by ClinVar (database versions not stated): gnomAD 0.00001; TOPMed 0.00001; gnomAD exomes 0.00002; ExAC 0.00004.
gnomAD v4.1: 11 of 1,614,028 alleles (0.00068%); highest among the groups gnomAD compares: Admixed American, 0.013%; no homozygotes.

Submissions (2):

CeGaT Center for Human Genetics Tuebingen
Classification: Likely benign. Last evaluated: 2026-04-01. Review status: criteria provided, single submitter. Criteria: CeGaT Center For Human Genetics Tuebingen Variant Classification Criteria Version 2. Collection method: clinical testing. Allele origin: germline. Affected: yes. Observed: 2 variant alleles.
Comment: ARID1B: BP4, BP7

Labcorp Genetics (formerly Invitae), Labcorp
Classification: Likely benign. Last evaluated: 2026-01-07. Review status: criteria provided, single submitter. Criteria: Invitae Variant Classification Sherloc (09022015). Collection method: clinical testing. Allele origin: germline.

NM_001374828.1(ARID1B):c.6492G>A (p.Thr2164=)

Gene: ARID1B (AT-rich interaction domain 1B; plus strand). Cytogenetic location: 6q25.3.
Variant type: single nucleotide variant.
Coding change: c.6492G>A on transcript NM_001374828.1 (MANE Select); coding-DNA position 6492, G replaced by A.
Protein change: p.Thr2164=; no amino-acid change (threonine 2164 retained).
Molecular consequence: synonymous variant.
Genome position (GRCh38, 1-based): chr6:157,207,264, G>A. VCF-style: chr6-157207264-G-A. GRCh37 (hg19) VCF-style: chr6-157528398-G-A.
Other names: c.6243G>A, p.Thr2081= (NM_001346813.1); c.3993G>A, p.Thr1331= (NM_001363725.2); c.6372G>A, p.Thr2124= (NM_001371656.1, NM_001374820.1); c.6333G>A, p.Thr2111= (NM_017519.3); c.6123G>A, p.Thr2041= (NM_020732.3); c.5910G>A, p.Thr1970= (NM_175863.2).
Identifiers: ClinVar variation 2818007 (VCV002818007.8), dbSNP rs757730301, ClinGen allele CA4068031.